The following is an entry in ClinVar:

ClinVar aggregate classification (germline): Uncertain significance (1 of 4 stars; one submission).

Allele frequency attached by ClinVar (database versions not stated): gnomAD exomes 0.00001.
gnomAD v4.1: 5 of 1,614,074 alleles (0.00031%); highest among the groups gnomAD compares: Admixed American, 0.0033%; no homozygotes.

Submission:

GeneDx
Classification: Uncertain significance. Last evaluated: 2016-03-06. Review status: criteria provided, single submitter. Criteria: GeneDx Variant Classification (06012015). Collection method: clinical testing. Allele origin: germline. Affected: yes.
Comment: The S2642C variant in the ANK3 gene has not been reported previously as a pathogenic variant, nor as a benignvariant, to our knowledge. The S2642C variant was not observed in approximately 6500 individuals of European andAfrican American ancestry in the NHLBI Exome Sequencing Project, indicating it is not a common benign variant inthese populations. The S2642C variant is a non-conservative amino acid substitution, which is likely to impactsecondary protein structure as these residues differ in polarity, charge, size and/or other properties. This substitutionoccurs at a position that is not conserved. In silico analysis is inconsistent in its predictions as to whether or not thevariant is damaging to the protein structure/function. We interpret S2642C as a variant of uncertain significance.

NM_020987.5(ANK3):c.7925C>G (p.Ser2642Cys)

Gene: ANK3 (ankyrin 3; minus strand). Cytogenetic location: 10q21.2.
Variant type: single nucleotide variant.
Coding change: c.7925C>G on transcript NM_020987.5 (MANE Select); coding-DNA position 7925, C replaced by G.
Protein change: p.Ser2642Cys; replaces serine 2642 with cysteine.
Molecular consequence: missense variant. On other transcripts: intron variant (4).
Genome position (GRCh38, 1-based): chr10:60,072,956, G>C on the plus strand (C>G on the coding strand, the complement: ANK3 is on the minus strand). VCF-style: chr10-60072956-G-C. GRCh37 (hg19) VCF-style: chr10-61832714-G-C.
Other names: c.4388-4947C>G (NM_001204403.2); c.4409-4947C>G (NM_001204404.2); c.4406-4947C>G (NM_001320874.2); c.1808-4947C>G (NM_001149.4); short protein forms S2642C.
Identifiers: ClinVar variation 383944 (VCV000383944.2), dbSNP rs1057521794, ClinGen allele CA16605648.